The following is an entry in ClinVar:

ClinVar aggregate classification (germline): Likely pathogenic (1 of 4 stars; one submission).

Conditions:
Developmental and epileptic encephalopathy, 11 (DEE11). Also called: Early infantile epileptic encephalopathy 11. Identifiers: Orphanet 1934, MedGen C3150987, MONDO:0013388, OMIM 613721.

Submission:

3billion
Classification: Likely pathogenic for Developmental and epileptic encephalopathy, 11. Last evaluated: 2024-11-25. Review status: criteria provided, single submitter. Criteria: ACMG Guidelines, 2015. Collection method: clinical testing. Allele origin: germline. Affected: yes.
Comment: The variant is not observed in the gnomAD v4.1.0 dataset. Predicted Consequence/Location: Inframe deletion located in a nonrepeat region: predicted to change the length of the protein and disrupt normal protein function. Therefore, this variant is classified as Likely pathogenic according to the recommendation of ACMG/AMP guideline.

NM_001040142.2(SCN2A):c.712_735del (p.Val238_Val245del)

Gene: SCN2A (sodium voltage-gated channel alpha subunit 2; plus strand). Cytogenetic location: 2q24.3.
Variant type: Deletion.
Coding change: c.712_735del on transcript NM_001040142.2 (MANE Select); coding-DNA positions 712 to 735, 24 bases deleted (GTGGGGGCCCTGATCCAGTCAGTG).
Protein change: p.Val238_Val245del.
Molecular consequence: inframe deletion.
Genome position (GRCh38, 1-based): chr2:165,310,337-165,310,360, GTGGGGGCCCTGATCCAGTCAGTG deleted. VCF-style (leftmost placement, unchanged base first): chr2-165310336-TGTGGGGGCCCTGATCCAGTCAGTG-T. GRCh37 (hg19) VCF-style: chr2-166166846-TGTGGGGGCCCTGATCCAGTCAGTG-T.
Other names: c.712_735del, p.Val238_Val245del (NM_001040143.2, NM_001371246.1, NM_001371247.1 and 1 more transcripts).
Identifiers: ClinVar variation 4291734 (VCV004291734.1).